The following is an entry in ClinVar:

NM_001082538.2(TCTN1):c.1336_1339delACTG

Gene: TCTN1 (tectonic family member 1; plus strand). Cytogenetic location: 12q24.11.
Variant type: Microsatellite.
Coding change: c.1336_1339delACTG on transcript NM_001082538.2; coding-DNA positions 1336 to 1339, 4 bases deleted (ACTG).
Molecular consequence: splice acceptor variant (on NM_001173976.2).
Genome position (GRCh38, 1-based): chr12:110,644,971-110,644,974, ACTG deleted; deleting any 4 consecutive bases within chr12:110,644,966-110,644,974 gives the same sequence; the c. name uses the placement nearest the transcript's 3' end. VCF-style (leftmost placement, unchanged base first): chr12-110644965-AGACT-A. GRCh37 (hg19) VCF-style: chr12-111082770-AGACT-A.
Other names: c.1011-2_1012del (NM_001173976.2); c.1191-2_1192del (NM_001319680.2).
Identifiers: ClinVar variation 2429171 (VCV002429171.40), dbSNP rs749481321, ClinGen allele CA6786875.

ClinVar aggregate classification (germline): Likely pathogenic (1 of 4 stars; one submission).

Conditions:
Joubert syndrome and related disorders. Identifiers: Orphanet 140874, MedGen C5679612, MONDO:0015369.

Submission:

Women's Health and Genetics/Laboratory Corporation of America, LabCorp
Classification: Likely pathogenic for Joubert syndrome and related disorders. Last evaluated: 2023-01-04. Review status: criteria provided, single submitter. Criteria: LabCorp Variant Classification Summary - May 2015. Collection method: clinical testing. Allele origin: germline.
Comment: Variant summary: TCTN1 c.1336_1339delACTG (p.Thr446GlufsX8) results in a premature termination codon, predicted to cause a truncation of the encoded protein or absence of the protein due to nonsense mediated decay, which are commonly known mechanisms for disease. The variant allele was found at a frequency of 4e-06 in 249566 control chromosomes (gnomAD). To our knowledge, no occurrence of c.1336_1339delACTG in individuals affected with Joubert Syndrome And Related Disorders and no experimental evidence demonstrating its impact on protein function have been reported. No clinical diagnostic laboratories have submitted clinical-significance assessments for this variant to ClinVar after 2014. Based on the evidence outlined above, the variant was classified as likely pathogenic.